The following is an entry in ClinVar:

ClinVar aggregate classification (germline): Likely benign. Review status: criteria provided, single submitter (1 of 4 stars). 2 submissions from 2 submitters: Likely benign (1). 1 of the submissions does not count toward it. Last evaluated 2025-12-11.

Conditions:
MRAP2-related disorder. Also called: MRAP2-related condition.

Allele frequency attached by ClinVar (database versions not stated): gnomAD 0.00001; TOPMed 0.00001; ExAC 0.00002; gnomAD exomes 0.00002.
gnomAD v4.1: 34 of 1,613,738 alleles (0.0021%); highest among the groups gnomAD compares: Admixed American, 0.0033%; no homozygotes.

Submissions (2):

Labcorp Genetics (formerly Invitae), Labcorp
Classification: Likely benign. Last evaluated: 2025-12-11. Review status: criteria provided, single submitter. Criteria: Invitae Variant Classification Sherloc (09022015). Collection method: clinical testing. Allele origin: germline.

PreventionGenetics, part of Exact Sciences
Classification: Likely benign for MRAP2-related condition. Last evaluated: 2022-10-31. Review status: no assertion criteria provided. Collection method: clinical testing. Allele origin: germline. Not counted in ClinVar's aggregate classification.
Comment: This variant is classified as likely benign based on ACMG/AMP sequence variant interpretation guidelines (Richards et al. 2015 PMID: 25741868, with internal and published modifications).

NM_138409.4(MRAP2):c.42A>G (p.Gln14=)

Gene: MRAP2 (melanocortin 2 receptor accessory protein 2; plus strand). Cytogenetic location: 6q14.2.
Variant type: single nucleotide variant.
Coding change: c.42A>G on transcript NM_138409.4 (MANE Select); coding-DNA position 42, A replaced by G.
Protein change: p.Gln14=; no amino-acid change (glutamine 14 retained).
Molecular consequence: synonymous variant. On other transcripts: 5 prime UTR variant (2).
Genome position (GRCh38, 1-based): chr6:84,055,360, A>G. VCF-style: chr6-84055360-A-G. GRCh37 (hg19) VCF-style: chr6-84765079-A-G.
Other names: c.-117A>G (NM_001346541.2); c.42A>G, p.Gln14= (NM_001346542.2, NM_001346544.2); c.-218A>G (NM_001346543.2).
Identifiers: ClinVar variation 3031258 (VCV003031258.3), dbSNP rs775755022, ClinGen allele CA3909541.